The following is an entry in ClinVar:

NM_001130438.3(SPTAN1):c.3050C>T (p.Pro1017Leu)

Gene: SPTAN1 (spectrin alpha, non-erythrocytic 1; plus strand). Cytogenetic location: 9q34.11.
Variant type: single nucleotide variant.
Coding change: c.3050C>T on transcript NM_001130438.3 (MANE Select); coding-DNA position 3050, C replaced by T.
Protein change: p.Pro1017Leu; replaces proline 1017 with leucine.
Molecular consequence: missense variant.
Genome position (GRCh38, 1-based): chr9:128,591,520, C>T. VCF-style: chr9-128591520-C-T. GRCh37 (hg19) VCF-style: chr9-131353799-C-T.
Other names: c.3050C>T, p.Pro1017Leu (NM_001195532.2, NM_001363759.2, NM_001363765.2 and 1 more transcripts); short protein forms P1017L.
Identifiers: ClinVar variation 392592 (VCV000392592.7), dbSNP rs370748662, ClinGen allele CA5264810.
Genomic context (GRCh38, chr9:128,591,520, plus strand): 5'-CCCTCTTTTTTCCTTAGGATTGGTGGAAAGTGGAAGTGAACGATCGTCAGGGTTTTGTGC[C>T]GGCTGCGTACGTGAAGAAATTGGACCCCGCCCAGTCAGCCTCCCGGGAGAATCTCCTGGA-3'
Protein context (NP_001123910.1, residues 1007-1027): VEVNDRQGFV[Pro1017Leu]AAYVKKLDPA

ClinVar aggregate classification (germline): Conflicting classifications of pathogenicity. Review status: criteria provided, conflicting classifications (1 of 4 stars). 3 submissions from 3 submitters: Uncertain significance (2); Likely benign (1). Last evaluated 2024-03-01.

Conditions:
Intellectual disability. Also called: Intellectual functioning disability; intellectual disabilities; Intellectual developmental disorder. Identifiers: MedGen C3714756, MeSH D008607, MONDO:0001071, HP:0001249.
Early-infantile DEE. Also called: Early infantile epileptic encephalopathy; Ohtahara syndrome; Early infantile epileptic encephalopathy with suppression bursts. Identifiers: Orphanet 1934, MedGen C0393706, MONDO:0800491.

Allele frequency attached by ClinVar (database versions not stated): gnomAD exomes 0.00001 and 0.00002; gnomAD 0.00002 and 0.00001; TOPMed 0.00003; ExAC 0.00002; ESP Exome Variant Server 0.00008.
gnomAD v4.1: 31 of 1,613,920 alleles (0.0019%); highest among the groups gnomAD compares: Non-Finnish European, 0.0024%; no homozygotes.

Submissions (3):

Labcorp Genetics (formerly Invitae), Labcorp
Classification: Uncertain significance for Early-infantile DEE. Last evaluated: 2024-03-01. Review status: criteria provided, single submitter. Criteria: Invitae Variant Classification Sherloc (09022015). Collection method: clinical testing. Allele origin: germline.
Comment: This sequence change replaces proline, which is neutral and non-polar, with leucine, which is neutral and non-polar, at codon 1017 of the SPTAN1 protein (p.Pro1017Leu). This variant is present in population databases (rs370748662, gnomAD 0.002%). This variant has not been reported in the literature in individuals affected with SPTAN1-related conditions. ClinVar contains an entry for this variant (Variation ID: 392592). Advanced modeling of protein sequence and biophysical properties (such as structural, functional, and spatial information, amino acid conservation, physicochemical variation, residue mobility, and thermodynamic stability) has been performed at Invitae for this missense variant, however the output from this modeling did not meet the statistical confidence thresholds required to predict the impact of this variant on SPTAN1 protein function. In summary, the available evidence is currently insufficient to determine the role of this variant in disease. Therefore, it has been classified as a Variant of Uncertain Significance.

Cambridge Genomics Laboratory, East Genomic Laboratory Hub, NHS Genomic Medicine Service
Classification: Uncertain significance for Intellectual disability. Last evaluated: 2019-12-13. Review status: criteria provided, single submitter. Criteria: ACGS Best Practice Guidelines for Variant Classification in Rare Disease 2020. Collection method: clinical testing. Allele origin: germline. Affected: yes. Observed: 1 variant allele.

GeneDx
Classification: Likely benign. Last evaluated: 2018-10-08. Review status: criteria provided, single submitter. Criteria: GeneDx Variant Classification Process June 2021. Collection method: clinical testing. Allele origin: germline. Affected: yes.